The following is an entry in ClinVar:

NM_017875.4(SLC25A38):c.12C>T (p.Asn4=)

Genes: SLC25A38 (solute carrier family 25 member 38; plus strand), LOC129936510 (ATAC-STARR-seq lymphoblastoid active region 19704; plus strand). Cytogenetic location: 3p22.1.
Variant type: single nucleotide variant.
Coding change: c.12C>T on transcript NM_017875.4 (MANE Select); coding-DNA position 12, C replaced by T.
Protein change: p.Asn4=; no amino-acid change (asparagine 4 retained).
Molecular consequence: synonymous variant.
Genome position (GRCh38, 1-based): chr3:39,383,736, C>T. VCF-style: chr3-39383736-C-T. GRCh37 (hg19) VCF-style: chr3-39425227-C-T.
Other names: c.12C>T, p.Asn4= (LRG_1133t1, NM_001354798.2).
Identifiers: ClinVar variation 345143 (VCV000345143.32), dbSNP rs142420345, ClinGen allele CA2327308.

ClinVar aggregate classification (germline): Conflicting classifications of pathogenicity. Review status: criteria provided, conflicting classifications (1 of 4 stars). 5 submissions from 5 submitters: Uncertain significance (1); Benign (1); Likely benign (3). Last evaluated 2026-07-01.

Conditions:
Sideroblastic anemia 2. Also called: Anemia, sideroblastic, 2, pyridoxine-refractory. Identifiers: Orphanet 260305, MedGen C4225425, MONDO:0008785, OMIM 205950.

Allele frequency attached by ClinVar (database versions not stated): 1000 Genomes Project 30x 0.00016; 1000 Genomes Project 0.00020; gnomAD 0.00064 and 0.00066; gnomAD exomes 0.00067 and 0.00080; TOPMed 0.00069; ExAC 0.00076; ESP Exome Variant Server 0.00085.
gnomAD v4.1: 1,112 of 1,614,194 alleles (0.069%); highest among the groups gnomAD compares: Middle Eastern, 0.63%; 3 homozygotes.

Submissions (5):

CeGaT Center for Human Genetics Tuebingen
Classification: Likely benign. Last evaluated: 2026-07-01. Review status: criteria provided, single submitter. Criteria: CeGaT Center For Human Genetics Tuebingen Variant Classification Criteria Version 2. Collection method: clinical testing. Allele origin: germline. Affected: yes. Observed: 3 variant alleles.
Comment: SLC25A38: BP4, BP7

Labcorp Genetics (formerly Invitae), Labcorp
Classification: Benign. Last evaluated: 2026-01-11. Review status: criteria provided, single submitter. Criteria: Invitae Variant Classification Sherloc (09022015). Collection method: clinical testing. Allele origin: germline.

Blueprint Genetics
Classification: Likely benign. Last evaluated: 2024-11-26. Review status: criteria provided, single submitter. Criteria: ACMG Guidelines, 2015. Collection method: clinical testing. Allele origin: germline.

GeneDx
Classification: Likely benign. Last evaluated: 2021-09-01. Review status: criteria provided, single submitter. Criteria: GeneDx Variant Classification Process June 2021. Collection method: clinical testing. Allele origin: germline. Affected: yes.

Illumina Laboratory Services, Illumina
Classification: Uncertain significance for Sideroblastic anemia 2. Last evaluated: 2018-01-13. Review status: criteria provided, single submitter. Criteria: ICSL Variant Classification Criteria 13 December 2019. Collection method: clinical testing. Allele origin: germline.